The following is an entry in ClinVar:

NM_152564.5(VPS13B):c.10959G>A (p.Pro3653=)

Gene: VPS13B (vacuolar protein sorting 13 homolog B; plus strand). Cytogenetic location: 8q22.2.
Variant type: single nucleotide variant.
Coding change: c.10959G>A on transcript NM_152564.5 (MANE Select); coding-DNA position 10959, G replaced by A.
Protein change: p.Pro3653=; no amino-acid change (proline 3653 retained).
Molecular consequence: synonymous variant.
Genome position (GRCh38, 1-based): chr8:99,859,395, G>A. VCF-style: chr8-99859395-G-A. GRCh37 (hg19) VCF-style: chr8-100871623-G-A.
Other names: c.11034G>A, p.Pro3678= (NM_017890.5); c.10959G>A (NM_152564.4).
Identifiers: ClinVar variation 750674 (VCV000750674.16), dbSNP rs771022240, ClinGen allele CA4825078.

ClinVar aggregate classification (germline): Conflicting classifications of pathogenicity. Review status: criteria provided, conflicting classifications (1 of 4 stars). 5 submissions from 5 submitters: Uncertain significance (1); Likely benign (3). 1 of the submissions does not count toward it. Last evaluated 2025-12-23.

Conditions:
Inborn genetic diseases. Identifiers: MedGen C0950123, MeSH D030342.
VPS13B-related disorder. Also called: VPS13B-related condition.
Cohen syndrome (COH1). Also called: Cutis verticis gyrata, retinitis pigmentosa, and sensorineural deafness; PEPPER SYNDROME. Identifiers: Orphanet 193, MedGen C0265223, MONDO:0008999, OMIM 216550.

Allele frequency attached by ClinVar (database versions not stated): gnomAD exomes 0.00001; ExAC 0.00002; gnomAD 0.00005 and 0.00006; TOPMed 0.00005.
gnomAD v4.1: 80 of 1,614,032 alleles (0.005%); highest among the groups gnomAD compares: African/African-American, 0.0093%; no homozygotes.

Submissions (5):

Labcorp Genetics (formerly Invitae), Labcorp
Classification: Likely benign for Cohen syndrome. Last evaluated: 2025-12-23. Review status: criteria provided, single submitter. Criteria: Invitae Variant Classification Sherloc (09022015). Collection method: clinical testing. Allele origin: germline.

Blueprint Genetics
Classification: Likely benign. Last evaluated: 2022-07-14. Review status: criteria provided, single submitter. Criteria: ACMG Guidelines, 2015. Collection method: clinical testing. Allele origin: germline.

Institute for Clinical Genetics, University Hospital TU Dresden, University Hospital TU Dresden
Classification: Uncertain significance. Last evaluated: 2020-09-28. Review status: criteria provided, single submitter. Criteria: ACMG Guidelines, 2015. Collection method: clinical testing. Allele origin: paternal.

Ambry Genetics
Classification: Likely benign for Inborn genetic diseases. Last evaluated: 2018-03-21. Review status: criteria provided, single submitter. Criteria: Ambry Variant Classification Scheme 2023. Collection method: clinical testing. Allele origin: germline.

PreventionGenetics, part of Exact Sciences
Classification: Likely benign for VPS13B-related condition. Last evaluated: 2023-01-03. Review status: no assertion criteria provided. Collection method: clinical testing. Allele origin: germline. Not counted in ClinVar's aggregate classification.
Comment: This variant is classified as likely benign based on ACMG/AMP sequence variant interpretation guidelines (Richards et al. 2015 PMID: 25741868, with internal and published modifications).